The following is an entry in ClinVar:

NM_001379659.1(ZNF142):c.3946del (p.Glu1316fs)

Gene: ZNF142 (zinc finger protein 142; minus strand). Cytogenetic location: 2q35.
Variant type: Deletion.
Coding change: c.3946del on transcript NM_001379659.1 (MANE Select); coding-DNA position 3946, one base deleted (G; older notation c.3946delG).
Protein change: p.Glu1316fs; shifts the reading frame from glutamic acid 1316.
Molecular consequence: frameshift variant.
Genome position (GRCh38, 1-based): chr2:218,643,170, C deleted on the plus strand (G on the coding strand, the reverse complement: ZNF142 is on the minus strand); the first of 2 consecutive C bases (chr2:218,643,170-218,643,171); deleting either gives the same sequence. VCF-style (leftmost placement, unchanged base first): chr2-218643169-TC-T. GRCh37 (hg19) VCF-style: chr2-219507892-TC-T.
Other names: c.3345delG, p.Glu1116Asnfs (NM_001105537.5, NM_001366291.3); c.3946del, p.Glu1316fs (NM_001379661.1, NM_001366290.3, NM_001379660.1); c.3346del, p.Glu1116fs (NM_001379662.1); c.2856delG, p.Glu953Asnfs (NM_001366287.3, NM_001366288.3, NM_001366289.3); short protein forms E1116fs, E1316fs, E953fs.
Identifiers: ClinVar variation 3896770 (VCV003896770.2).
Genomic context (GRCh38, chr2:218,643,169, plus strand): 5'-TGCAGCTCTCCAGACTCCTCGAGGGGGCAGCCCCGGATCTGGTGAGTCCTCAGAGCCCGT[TC>T]CTGCTGGCAGCTAAAGGGACATGTAGGGCAGGAGAAGCGAGCCCCCTTCTGCTTTTGAAC-3'

ClinVar aggregate classification (germline): Pathogenic. Review status: criteria provided, multiple submitters, no conflicts (2 of 4 stars). 2 submissions from 2 submitters: Pathogenic (2). Last evaluated 2025-10-21.

Conditions:
Neurodevelopmental disorder with impaired speech and hyperkinetic movements. Identifiers: MedGen C5193088, MONDO:0032741, OMIM 618425.
Inborn genetic diseases. Identifiers: MedGen C0950123, MeSH D030342.

Submissions (2):

Ambry Genetics
Classification: Pathogenic for Inborn genetic diseases. Last evaluated: 2025-10-21. Review status: criteria provided, single submitter. Criteria: Ambry Variant Classification Scheme 2023. Collection method: clinical testing. Allele origin: germline.
Comment: The c.3346delG (p.E1116Nfs*4) alteration, located in exon 8 (coding exon 5) of the ZNF142 gene, consists of a deletion of one nucleotide at position 3346, causing a translational frameshift with a predicted alternate stop codon after 4 amino acids. This alteration is expected to result in loss of function by premature protein truncation or nonsense-mediated mRNA decay. This variant was not reported in population-based cohorts in the Genome Aggregation Database (gnomAD). This variant has been identified in the homozygous state in an individual with features consistent with ZNF142-related neurodevelopmental disorder (Erro, 2023). Based on the available evidence, this alteration is classified as pathogenic.

Tumer Group, Copenhagen University Hospital, Rigshospitalet
Classification: Pathogenic for Neurodevelopmental disorder with impaired speech and hyperkinetic movements. Last evaluated: 2025-04-15. Review status: criteria provided, single submitter. Criteria: ACMG Guidelines, 2015. Collection method: research. Allele origin: maternal. Affected: yes.

Literature cited by the submitters: PubMed 38026511 (cited by Ambry Genetics).